The following is an entry in ClinVar:

NM_000059.4(BRCA2):c.6118A>G (p.Ile2040Val)

Gene: BRCA2 (BRCA2 DNA repair associated; plus strand). Cytogenetic location: 13q13.1.
Variant type: single nucleotide variant.
Coding change: c.6118A>G on transcript NM_000059.4 (MANE Select); coding-DNA position 6118, A replaced by G.
Protein change: p.Ile2040Val; replaces isoleucine 2040 with valine.
Molecular consequence: missense variant.
Genome position (GRCh38, 1-based): chr13:32,340,473, A>G. VCF-style: chr13-32340473-A-G. GRCh37 (hg19) VCF-style: chr13-32914610-A-G.
Other names: 6346A>G; short protein forms I2040V.
Identifiers: ClinVar variation 96833 (VCV000096833.20), dbSNP rs80358850, ClinGen allele CA023670.

ClinVar aggregate classification (germline): Conflicting classifications of pathogenicity. Review status: criteria provided, conflicting classifications (1 of 4 stars). 8 submissions from 8 submitters: Uncertain significance (5); Likely benign (2). 1 of the submissions does not count toward it. Last evaluated 2024-06-14.

Conditions:
Hereditary breast ovarian cancer syndrome. Also called: BRCA1- and BRCA2-Associated Hereditary Breast and Ovarian Cancer; Hereditary breast and ovarian cancer syndrome; Breast and ovarian cancer; Hereditary breast and ovarian cancer syndrome (HBOC); Hereditary breast and ovarian cancer; Hereditary breast and/or ovarian cancer syndrome. Identifiers: Orphanet 145, MedGen C0677776, MeSH D061325, MONDO:0003582. Disease mechanism: loss of function.
Hereditary cancer-predisposing syndrome. Also called: Hereditary Cancer Syndrome; Hereditary neoplastic syndrome; Neoplastic Syndromes, Hereditary; Tumor predisposition. Identifiers: Orphanet 140162, MedGen C0027672, MeSH D009386, MONDO:0015356.
Breast-ovarian cancer, familial, susceptibility to, 2 (BROVCA2). Also called: BRCA2 Hereditary Breast and Ovarian Cancer. Identifiers: Orphanet 145, MedGen C2675520, MONDO:0012933, OMIM 612555. Disease mechanism: loss of function.

Allele frequency attached by ClinVar (database versions not stated): gnomAD 0.00001; TOPMed 0.00001.
gnomAD v4.1: 1 of 1,613,604 alleles (0.000062%); highest among the groups gnomAD compares: Non-Finnish European, 0.000085%; no homozygotes.

Submissions (8):

Blueprint Genetics
Classification: Likely benign. Last evaluated: 2024-06-14. Review status: criteria provided, single submitter. Criteria: ACMG Guidelines, 2015. Collection method: clinical testing. Allele origin: germline.

All of Us Research Program, National Institutes of Health
Classification: Uncertain significance for Breast-ovarian cancer, familial, susceptibility to, 2. Last evaluated: 2023-12-13. Review status: criteria provided, single submitter. Criteria: ACMG Guidelines, 2015. Collection method: clinical testing. Allele origin: germline. Inheritance: Autosomal dominant inheritance. Observed: 1 variant allele, 1 heterozygote.
Comment: This missense variant replaces isoleucine with valine at codon 2040 of the BRCA2 protein. Computational prediction suggests that this variant may not impact protein structure and function (internally defined REVEL score threshold <= 0.5, PMID: 27666373). To our knowledge, functional studies have not been reported for this variant. This variant has been reported in individuals affected with breast cancer (PMID: 27153395, 33471991; Leiden Open Variation Database DB-ID BRCA2_008408) and in a multifactorial analysis with co-occurrence and family history likelihood ratios for pathogenicity of 1.025 and 0.846, respectively (PMID: 31131967). This variant has not been identified in the general population by the Genome Aggregation Database (gnomAD). The available evidence is insufficient to determine the role of this variant in disease conclusively. Therefore, this variant is classified as a Variant of Uncertain Significance.

This study involves interpretation of variants in research participants for the purpose of population health screening. Participant phenotype was not available at the time of variant classification. Additional details can be found in publication PMID: 35346344, PMCID: PMC8962531

Color Diagnostics, LLC DBA Color Health
Classification: Uncertain significance for Hereditary cancer-predisposing syndrome. Last evaluated: 2023-11-09. Review status: criteria provided, single submitter. Criteria: ACMG Guidelines, 2015. Collection method: clinical testing. Allele origin: germline.
Comment: This missense variant replaces isoleucine with valine at codon 2040 of the BRCA2 protein. Computational prediction suggests that this variant may not impact protein structure and function (internally defined REVEL score threshold <= 0.5, PMID: 27666373). To our knowledge, functional studies have not been reported for this variant. This variant has been reported in individuals affected with breast cancer (PMID: 27153395, 33471991; Leiden Open Variation Database DB-ID BRCA2_008408) and in a multifactorial analysis with co-occurrence and family history likelihood ratios for pathogenicity of 1.025 and 0.846, respectively (PMID: 31131967). This variant has not been identified in the general population by the Genome Aggregation Database (gnomAD). The available evidence is insufficient to determine the role of this variant in disease conclusively. Therefore, this variant is classified as a Variant of Uncertain Significance.

University of Washington Department of Laboratory Medicine, University of Washington
Classification: Likely benign for Hereditary cancer-predisposing syndrome. Last evaluated: 2023-03-23. Review status: criteria provided, single submitter. Criteria: Dines et al. (Genet Med. 2020). Collection method: curation. Allele origin: germline.
Comment: Missense variant in a coldspot region where missense variants are very unlikely to be pathogenic (PMID:31911673).

BRCA2 exon 11 coldspot. Reclassification based on statistical prior probability.

Labcorp Genetics (formerly Invitae), Labcorp
Classification: Uncertain significance for Hereditary breast ovarian cancer syndrome. Last evaluated: 2023-02-18. Review status: criteria provided, single submitter. Criteria: Invitae Variant Classification Sherloc (09022015). Collection method: clinical testing. Allele origin: germline.
Comment: ClinVar contains an entry for this variant (Variation ID: 96833). This sequence change replaces isoleucine, which is neutral and non-polar, with valine, which is neutral and non-polar, at codon 2040 of the BRCA2 protein (p.Ile2040Val). This variant is not present in population databases (gnomAD no frequency). This variant has not been reported in the literature in individuals affected with BRCA2-related conditions. Advanced modeling of protein sequence and biophysical properties (such as structural, functional, and spatial information, amino acid conservation, physicochemical variation, residue mobility, and thermodynamic stability) performed at Invitae indicates that this missense variant is not expected to disrupt BRCA2 protein function. In summary, the available evidence is currently insufficient to determine the role of this variant in disease. Therefore, it has been classified as a Variant of Uncertain Significance.

Ambry Genetics
Classification: Uncertain significance for Hereditary cancer-predisposing syndrome. Last evaluated: 2020-06-10. Review status: criteria provided, single submitter. Criteria: Ambry Variant Classification Scheme 2023. Collection method: clinical testing. Allele origin: germline.
Comment: The p.I2040V variant (also known as c.6118A>G), located in coding exon 10 of the BRCA2 gene, results from an A to G substitution at nucleotide position 6118. The isoleucine at codon 2040 is replaced by valine, an amino acid with highly similar properties. This amino acid position is poorly conserved in available vertebrate species. In addition, this alteration is predicted to be tolerated by in silico analysis. Since supporting evidence is limited at this time, the clinical significance of this alteration remains unclear.

Women's Health and Genetics/Laboratory Corporation of America, LabCorp
Classification: Uncertain significance for Hereditary breast ovarian cancer syndrome. Last evaluated: 2015-09-29. Review status: criteria provided, single submitter. Criteria: LabCorp Variant Classification Summary - May 2015. Collection method: clinical testing. Allele origin: germline.
Comment: Variant Summary: BRCA2 c.6118A>G is a missense mutation that occurs at a non-conserved position and 4/4 in silico tools predict a neutral outcome. The variant has not been cited in the literature or found in controls, including the large and diverse ExAC cohort (~0/120840). Additionally, multiple reputable diagnostic centers classify the variant as a VUS. Taken together, this BRCA2 missense muation is classified as a VUS until more information is available.

Sharing Clinical Reports Project (SCRP)
Classification: Uncertain significance for Breast-ovarian cancer, familial 2. Last evaluated: 2013-06-07. Review status: no assertion criteria provided. Collection method: clinical testing. Allele origin: germline. Not counted in ClinVar's aggregate classification.

Literature cited by the submitters: PubMed 27153395 (cited by All of Us Research Program, National Institutes of Health and Color Diagnostics, LLC DBA Color Health); PubMed 31131967 (cited by All of Us Research Program, National Institutes of Health and Color Diagnostics, LLC DBA Color Health); PubMed 33471991 (cited by All of Us Research Program, National Institutes of Health and Color Diagnostics, LLC DBA Color Health).